The following is an entry in ClinVar:

NM_001379110.1(SLC9A6):c.-57+37C>G

Genes: SLC9A6 (solute carrier family 9 member A6; plus strand), LOC130068746 (ATAC-STARR-seq lymphoblastoid silent region 21025; plus strand). Cytogenetic location: Xq26.3.
Variant type: single nucleotide variant.
Coding change: c.-57+37C>G on transcript NM_001379110.1 (MANE Select); 37 bases into the intron after 57 bases upstream of the start codon, C replaced by G.
Molecular consequence: intron variant. On other transcripts: synonymous variant (2).
Genome position (GRCh38, 1-based): chrX:135,985,514, C>G. VCF-style: chrX-135985514-C-G. GRCh37 (hg19) VCF-style: chrX-135067673-C-G.
Other names: c.12C>G, p.Arg4= (NM_001042537.2, NM_006359.3); c.-57+37C>G (NM_001177651.2); c.-57+42C>G (NM_001330652.2).
Identifiers: ClinVar variation 508787 (VCV000508787.1), dbSNP rs1415889484, ClinGen allele CA518490264.
Genomic context (GRCh38, chrX:135,985,514, plus strand): 5'-CGACCGCGGGCGGCCGCCGGTGAGGTAGGGGCGGGAGGCGGGGGGAGACATGGCTCGGCG[C>G]GGCTGGCGGCGGGCACCCCTCCGCCGTGGCGTCGGCAGCAGTCCCCGAGCCCGCAGGCTC-3'

ClinVar aggregate classification (germline): Likely benign (1 of 4 stars; one submission).

Allele frequency attached by ClinVar (database versions not stated): TOPMed below 0.00001 and 0.00001; gnomAD 0.00001.
gnomAD v4.1: 1 of 1,107,768 alleles (0.00009%); highest among the groups gnomAD compares: Non-Finnish European, 0.00012%; no homozygotes.

Submission:

GeneDx
Classification: Likely benign. Last evaluated: 2017-04-11. Review status: criteria provided, single submitter. Criteria: GeneDx Variant Classification (06012015). Collection method: clinical testing. Allele origin: germline. Affected: yes.
Comment: This variant is considered likely benign or benign based on one or more of the following criteria: it is a conservative change, it occurs at a poorly conserved position in the protein, it is predicted to be benign by multiple in silico algorithms, and/or has population frequency not consistent with disease.